The following is an entry in ClinVar:

ClinVar aggregate classification (germline): Uncertain significance (1 of 4 stars; one submission).

Conditions:
Left ventricular noncompaction 8 (LVNC8). Identifiers: Orphanet 154, Orphanet 54260, MedGen C3809288, MONDO:0014152, OMIM 615373.

Allele frequency attached by ClinVar (database versions not stated): gnomAD exomes below 0.00001; TOPMed 0.00001.
gnomAD v4.1: 2 of 1,583,138 alleles (0.00013%); highest among the groups gnomAD compares: Non-Finnish European, 0.00017%; no homozygotes.

Submission:

Labcorp Genetics (formerly Invitae), Labcorp
Classification: Uncertain significance for Left ventricular noncompaction 8. Last evaluated: 2023-04-16. Review status: criteria provided, single submitter. Criteria: Invitae Variant Classification Sherloc (09022015). Collection method: clinical testing. Allele origin: germline.
Comment: In summary, the available evidence is currently insufficient to determine the role of this variant in disease. Therefore, it has been classified as a Variant of Uncertain Significance. An algorithm developed to predict the effect of missense changes on protein structure and function (PolyPhen-2) suggests that this variant is likely to be tolerated. This variant has not been reported in the literature in individuals affected with PRDM16-related conditions. This variant is not present in population databases (gnomAD no frequency). This sequence change replaces aspartic acid, which is acidic and polar, with asparagine, which is neutral and polar, at codon 636 of the PRDM16 protein (p.Asp636Asn).

NM_022114.4(PRDM16):c.1906G>A (p.Asp636Asn)

Gene: PRDM16 (PR/SET domain 16; plus strand). Cytogenetic location: 1p36.32.
Variant type: single nucleotide variant.
Coding change: c.1906G>A on transcript NM_022114.4 (MANE Select); coding-DNA position 1906, G replaced by A.
Protein change: p.Asp636Asn; replaces aspartic acid 636 with asparagine.
Molecular consequence: missense variant.
Genome position (GRCh38, 1-based): chr1:3,412,103, G>A. VCF-style: chr1-3412103-G-A. GRCh37 (hg19) VCF-style: chr1-3328667-G-A.
Other names: c.1906G>A, p.Asp636Asn (NM_199454.3); short protein forms D636N.
Identifiers: ClinVar variation 2898514 (VCV002898514.3), dbSNP rs1490850839, ClinGen allele CA337999276.
Genomic context (GRCh38, chr1:3,412,103, plus strand): 5'-GACACGACCACGGGGACGGGCTCGGACCTGGACAGCGACGTGGACAGCGACCCTGACAAG[G>A]ACAAGGGCAAGGGCAAGTCCGCCGAGGGCCAGCCCAAGTTTGGGGGCGGCTTGGCGCCCC-3'
Protein context (NP_071397.3, residues 626-646): DSDVDSDPDK[Asp636Asn]KGKGKSAEGQ